The following is an entry in ClinVar:

ClinVar aggregate classification (germline): Pathogenic (1 of 4 stars; one submission).

Conditions:
Hereditary cancer-predisposing syndrome. Also called: Hereditary Cancer Syndrome; Neoplastic Syndromes, Hereditary; Tumor predisposition; Hereditary neoplastic syndrome. Identifiers: Orphanet 140162, MedGen C0027672, MeSH D009386, MONDO:0015356.

Submission:

Ambry Genetics
Classification: Pathogenic for Hereditary cancer-predisposing syndrome. Last evaluated: 2024-08-21. Review status: criteria provided, single submitter. Criteria: Ambry Variant Classification Scheme 2023. Collection method: clinical testing. Allele origin: germline.
Comment: The c.5193+2dupT intronic pathogenic mutation, results from a duplication of two nucleotides at nucleotide position 5193 after intron 17 of the BRCA1 gene. This alteration has been identified in multiple Asian breast and/or ovarian cancer cohorts (Nakamura S et al. Breast Cancer, 2015 Sep;22:462-8; Bhaskaran SP et al. Int. J. Cancer, 2019 08;145:962-973). This nucleotide position is well conserved in available vertebrate species. In silico splice site analysis predicts that this alteration will weaken the native splice donor site. RNA studies have demonstrated that this alteration results in abnormal splicing in the set of samples tested (Ambry internal data). Based on the supporting evidence, this variant is interpreted as a disease-causing mutation.

Literature cited by the submitters: PubMed 24249303; PubMed 30702160.

NM_007294.4(BRCA1):c.5193+2dup

Gene: BRCA1 (BRCA1 DNA repair associated; minus strand). Cytogenetic location: 17q21.31.
Variant type: Duplication.
Coding change: c.5193+2dup on transcript NM_007294.4 (MANE Select); the canonical splice donor site of the intron after coding-DNA position 5193, one base duplicated (T; older notation c.5193+2dupT).
Molecular consequence: splice donor variant.
Genome position (GRCh38, 1-based): chr17:43,063,331, A duplicated on the plus strand (T on the coding strand, the reverse complement: BRCA1 is on the minus strand). VCF-style (leftmost placement, unchanged base first): chr17-43063330-T-TA. GRCh37 (hg19) VCF-style: chr17-41215347-T-TA.
Other names: c.5190+2dup (NM_001407619.1, NM_001407610.1, NM_001407621.1 and 17 more transcripts); c.5193+2dup (NM_001407684.1, NM_001407594.1, NM_001407593.1 and 7 more transcripts); c.5256+2dup (NM_001407583.1, NM_001407587.1, NM_001407585.1 and 1 more transcripts); c.5052+2dup (NM_001407724.1, NM_001407697.1, NM_001407728.1 and 13 more transcripts); c.5046+2dup (NM_001407838.1, NM_001407848.1, NM_001407839.1 and 12 more transcripts); c.1809+2dup (NM_001408410.1); c.5049+2dup (NM_001407741.1, NM_001407747.1, NM_001407745.1 and 21 more transcripts); c.1803+2dup (NM_001408415.1, NM_001408414.1, NM_001408412.1 and 2 more transcripts); and 72 more.
Identifiers: ClinVar variation 1745927 (VCV001745927.3), dbSNP rs2549321348, ClinGen allele CA658761207.